The following is an entry in ClinVar:

ClinVar aggregate classification (germline): Likely benign. Review status: criteria provided, multiple submitters, no conflicts (2 of 4 stars). 2 submissions from 2 submitters: Likely benign (2). Last evaluated 2025-09-01.

Conditions:
Progressive myoclonic epilepsy type 8. Identifiers: Orphanet 424027, MedGen C5190825, MONDO:0014545, OMIM 616230.

Submissions (2):

CeGaT Center for Human Genetics Tuebingen
Classification: Likely benign. Last evaluated: 2025-09-01. Review status: criteria provided, single submitter. Criteria: CeGaT Center For Human Genetics Tuebingen Variant Classification Criteria Version 2. Collection method: clinical testing. Allele origin: germline. Affected: yes. Observed: 1 variant allele.
Comment: GDF1: BP4, BP7

Labcorp Genetics (formerly Invitae), Labcorp
Classification: Likely benign for Progressive myoclonic epilepsy type 8. Last evaluated: 2021-09-09. Review status: criteria provided, single submitter. Criteria: Invitae Variant Classification Sherloc (09022015). Collection method: clinical testing. Allele origin: germline.

NM_001492.6(GDF1):c.504G>A (p.Ala168=)

Genes: CERS1 (ceramide synthase 1; minus strand), GDF1 (growth differentiation factor 1; minus strand). Cytogenetic location: 19p13.11.
Variant type: single nucleotide variant.
Coding change: c.504G>A on transcript NM_001492.6 (MANE Select); coding-DNA position 504, G replaced by A.
Protein change: p.Ala168=; no amino-acid change (alanine 168 retained).
Molecular consequence: synonymous variant. On other transcripts: 3 prime UTR variant (2).
Genome position (GRCh38, 1-based): chr19:18,869,212, C>T on the plus strand (G>A on the coding strand, the complement: GDF1 is on the minus strand). VCF-style: chr19-18869212-C-T. GRCh37 (hg19) VCF-style: chr19-18980021-C-T.
Other names: c.*1365G>A (NM_001387440.1); c.*773G>A (NM_021267.5); c.504G>A, p.Ala168= (NM_001387438.1).
Identifiers: ClinVar variation 1571581 (VCV001571581.10), dbSNP rs1415775845, ClinGen allele CA506118683.